The following is an entry in ClinVar:

NM_000038.6(APC):c.4742del (p.Ser1581fs)

Gene: APC (APC regulator of Wnt signaling pathway; plus strand). Cytogenetic location: 5q22.2.
Variant type: Deletion.
Coding change: c.4742del on transcript NM_000038.6 (MANE Select); coding-DNA position 4742, one base deleted (C; older notation c.4742delC).
Protein change: p.Ser1581fs; shifts the reading frame from serine 1581.
Molecular consequence: frameshift variant. On other transcripts: non-coding transcript variant (2).
Genome position (GRCh38, 1-based): chr5:112,840,336, C deleted. VCF-style (leftmost placement, unchanged base first): chr5-112840335-TC-T. GRCh37 (hg19) VCF-style: chr5-112176032-TC-T.
Other names: c.4439del, p.Ser1480fs (NM_001407459.1, NM_001407460.1, NM_001354903.2 and 1 more transcripts); c.4355del, p.Ser1452fs (NM_001407467.1, NM_001407469.1); c.3893del, p.Ser1298fs (NM_001407470.1, NM_001354906.2); c.3590del, p.Ser1197fs (NM_001407471.1, NM_001407472.1); c.4742del, p.Ser1581fs (NM_001127510.3, NM_001354895.2, NM_001407450.1); c.4688del, p.Ser1563fs (NM_001127511.3); c.4796del, p.Ser1599fs (NM_001354896.2, NM_001407447.1, NM_001407448.1 and 1 more transcripts); c.4772del, p.Ser1591fs (NM_001354897.2); and 11 more; short protein forms S1197fs, S1298fs, S1421fs, S1452fs, S1455fs, S1480fs, S1490fs, S1498fs.
Identifiers: ClinVar variation 2583447 (VCV002583447.1), dbSNP rs2533596884, ClinGen allele CA2582341361.

ClinVar aggregate classification (germline): Pathogenic (1 of 4 stars; one submission).

Conditions:
Familial adenomatous polyposis 1 (FAP1). Also called: POLYPOSIS, ADENOMATOUS INTESTINAL; FAMILIAL ADENOMATOUS POLYPOSIS 1, ATTENUATED. Identifiers: MedGen C2713442, MONDO:0021056, OMIM 175100. Disease mechanism: loss of function.

Submission:

Myriad Genetics, Inc.
Classification: Pathogenic for Familial adenomatous polyposis 1. Last evaluated: 2023-05-11. Review status: criteria provided, single submitter. Criteria: Myriad Autosomal Dominant, Autosomal Recessive and X-Linked Classification Criteria (2023). Collection method: clinical testing. Allele origin: unknown.
Comment: This variant is considered pathogenic. This variant creates a frameshift predicted to result in premature protein truncation.